The following is an entry in ClinVar:

NM_003190.5(TAPBP):c.726TGA[2] (p.Asp244del)

Gene: TAPBP (TAP binding protein; minus strand). Cytogenetic location: 6p21.32.
Variant type: Microsatellite.
Coding change: c.726TGA[2] on transcript NM_003190.5 (MANE Select); two copies in a row of the 3-base unit TGA starting at c.726; the reference has three copies in a row; one copy, 3 bases deleted.
Protein change: p.Asp244del; deletes aspartic acid 244.
Molecular consequence: inframe deletion.
Genome position (GRCh38, 1-based): chr6:33,305,123-33,305,125, TCA deleted on the plus strand (TGA on the coding strand, the reverse complement: TAPBP is on the minus strand); deleting any 3 consecutive bases within chr6:33,305,123-33,305,133 gives the same sequence; the position shown is the placement nearest the transcript's 3' end. VCF-style (leftmost placement, unchanged base first): chr6-33305122-CTCA-C. GRCh37 (hg19) VCF-style: chr6-33272899-CTCA-C.
Other names: c.726TGA[2], p.Asp244del (NM_172208.3); c.465TGA[2], p.Asp157del (NM_172209.3); short protein forms D157del, D244del.
Identifiers: ClinVar variation 964430 (VCV000964430.1), dbSNP rs1458653846, ClinGen allele CA566699771.
Genomic context (GRCh38, chr6:33,305,122, plus strand): 5'-CTGAAAGGGTTGAACTGTAGGCAGCCAGAAGGTCCCATTTCCGGTCCATGGGCCCCATGG[CTCA>C]TCATCATCCCAAGCAGCAAATGCCACGGCCCCTTCTTGGGCTGCTGGCATCTGGCCATTC-3'

ClinVar aggregate classification (germline): Uncertain significance (1 of 4 stars; one submission).

Conditions:
MHC class I deficiency. Identifiers: Orphanet 34592, MedGen C6024714, MONDO:0011476.

Submission:

Labcorp Genetics (formerly Invitae), Labcorp
Classification: Uncertain significance for Bare lymphocyte syndrome type 1. Last evaluated: 2019-08-02. Review status: criteria provided, single submitter. Criteria: Invitae Variant Classification Sherloc (09022015). Collection method: clinical testing. Allele origin: germline.
Comment: This variant, c.732_734del, results in the deletion of 1 amino acid(s) of the TAPBP protein (p.Asp244del), but otherwise preserves the integrity of the reading frame. This variant is not present in population databases (ExAC no frequency). This variant has not been reported in the literature in individuals with TAPBP-related conditions. Experimental studies and prediction algorithms are not available or were not evaluated for this variant, and the functional significance of the affected amino acid(s) is currently unknown. In summary, the available evidence is currently insufficient to determine the role of this variant in disease. Therefore, it has been classified as a Variant of Uncertain Significance.